The following is an entry in ClinVar:

NM_001367624.2(ZNF469):c.9588G>C (p.Glu3196Asp)

Gene: ZNF469 (zinc finger protein 469; plus strand). Cytogenetic location: 16q24.2.
Variant type: single nucleotide variant.
Coding change: c.9588G>C on transcript NM_001367624.2 (MANE Select); coding-DNA position 9588, G replaced by C.
Protein change: p.Glu3196Asp; replaces glutamic acid 3196 with aspartic acid.
Molecular consequence: missense variant.
Genome position (GRCh38, 1-based): chr16:88,437,058, G>C. VCF-style: chr16-88437058-G-C. GRCh37 (hg19) VCF-style: chr16-88503466-G-C.
Other names: NM_001127464.1:c.9504G>C; short protein forms E3196D.
Identifiers: ClinVar variation 3476169 (VCV003476169.1).

ClinVar aggregate classification (germline): Uncertain significance (1 of 4 stars; one submission).

Conditions:
Cardiovascular phenotype. Identifiers: MedGen CN230736.

gnomAD v4.1: 1 of 1,538,396 alleles (0.000065%); highest among the groups gnomAD compares: Non-Finnish European, 0.000087%; no homozygotes.

Submission:

Ambry Genetics
Classification: Uncertain significance for Cardiovascular phenotype. Last evaluated: 2024-07-28. Review status: criteria provided, single submitter. Criteria: Ambry Variant Classification Scheme 2023. Collection method: clinical testing. Allele origin: germline.
Comment: The p.E3168D variant (also known as c.9504G>C), located in coding exon 2 of the ZNF469 gene, results from a G to C substitution at nucleotide position 9504. The glutamic acid at codon 3168 is replaced by aspartic acid, an amino acid with highly similar properties. This amino acid position is conserved. In addition, this alteration is predicted to be tolerated by in silico analysis. Based on the available evidence, the clinical significance of this variant remains unclear.